The following is an entry in ClinVar:

ClinVar aggregate classification (germline): Benign/Likely benign. Review status: criteria provided, multiple submitters, no conflicts (2 of 4 stars). 5 submissions from 5 submitters: Benign (3); Likely benign (1). 1 of the submissions does not count toward it. Last evaluated 2026-01-01.

Conditions:
GATAD2B-related disorder. Also called: GATAD2B-related condition.
Severe intellectual disability-poor language-strabismus-grimacing face-long fingers syndrome (GAND). Also called: GAND SYNDROME. Identifiers: Orphanet 363686, MedGen C3554448, MONDO:0014034, OMIM 615074.

Allele frequency attached by ClinVar (database versions not stated): gnomAD exomes 0.00015; ExAC 0.00019; TOPMed 0.00036; ESP Exome Variant Server 0.00062; gnomAD 0.00067; 1000 Genomes Project 30x 0.00109; 1000 Genomes Project 0.00140.
gnomAD v4.1: 192 of 1,609,844 alleles (0.012%); highest among the groups gnomAD compares: African/African-American, 0.21%; 1 homozygote.

Submissions (5):

CeGaT Center for Human Genetics Tuebingen
Classification: Likely benign. Last evaluated: 2026-01-01. Review status: criteria provided, single submitter. Criteria: CeGaT Center For Human Genetics Tuebingen Variant Classification Criteria Version 2. Collection method: clinical testing. Allele origin: germline. Affected: yes. Observed: 1 variant allele.
Comment: GATAD2B: BP4, BP7

Labcorp Genetics (formerly Invitae), Labcorp
Classification: Benign. Last evaluated: 2025-12-05. Review status: criteria provided, single submitter. Criteria: Invitae Variant Classification Sherloc (09022015). Collection method: clinical testing. Allele origin: germline.

Genome-Nilou Lab
Classification: Benign for Severe intellectual disability-poor language-strabismus-grimacing face-long fingers syndrome. Last evaluated: 2023-04-11. Review status: criteria provided, single submitter. Criteria: ACMG Guidelines, 2015. Collection method: clinical testing. Allele origin: germline. Affected: no.

GeneDx
Classification: Benign. Last evaluated: 2020-03-11. Review status: criteria provided, single submitter. Criteria: GeneDx Variant Classification Process June 2021. Collection method: clinical testing. Allele origin: germline. Affected: yes.

PreventionGenetics, part of Exact Sciences
Classification: Likely benign for GATAD2B-related condition. Last evaluated: 2019-12-04. Review status: no assertion criteria provided. Collection method: clinical testing. Allele origin: germline. Not counted in ClinVar's aggregate classification.
Comment: This variant is classified as likely benign based on ACMG/AMP sequence variant interpretation guidelines (Richards et al. 2015 PMID: 25741868, with internal and published modifications).

NM_020699.4(GATAD2B):c.852T>C (p.Leu284=)

Gene: GATAD2B (GATA zinc finger domain containing 2B; minus strand). Cytogenetic location: 1q21.3.
Variant type: single nucleotide variant.
Coding change: c.852T>C on transcript NM_020699.4 (MANE Select); coding-DNA position 852, T replaced by C.
Protein change: p.Leu284=; no amino-acid change (leucine 284 retained).
Molecular consequence: synonymous variant.
Genome position (GRCh38, 1-based): chr1:153,817,420, A>G on the plus strand (T>C on the coding strand, the complement: GATAD2B is on the minus strand). VCF-style: chr1-153817420-A-G. GRCh37 (hg19) VCF-style: chr1-153789896-A-G.
Identifiers: ClinVar variation 725557 (VCV000725557.17), dbSNP rs149608942, ClinGen allele CA1120759.